The following is an entry in ClinVar:

NM_000302.4(PLOD1):c.2059T>G (p.Cys687Gly)

Gene: PLOD1 (procollagen-lysine,2-oxoglutarate 5-dioxygenase 1; plus strand). Cytogenetic location: 1p36.22.
Variant type: single nucleotide variant.
Coding change: c.2059T>G on transcript NM_000302.4 (MANE Select); coding-DNA position 2059, T replaced by G.
Protein change: p.Cys687Gly; replaces cysteine 687 with glycine.
Molecular consequence: missense variant.
Genome position (GRCh38, 1-based): chr1:11,974,683, T>G. VCF-style: chr1-11974683-T-G. GRCh37 (hg19) VCF-style: chr1-12034740-T-G.
Other names: c.2200T>G, p.Cys734Gly (NM_001316320.2); short protein forms C687G, C734G.
Identifiers: ClinVar variation 4292382 (VCV004292382.1).
Genomic context (GRCh38, chr1:11,974,683, plus strand): 5'-GAAAGGCCACTGATGCTTTCTGTCTCCCAGGGCGGGGGCTGTCGGTTCCTGCGCTACAAC[T>G]GTTCCATCCGAGCCCCAAGGAAGGGCTGGACCCTCATGCACCCTGGACGACTCACGCATT-3'
Protein context (NP_000293.2, residues 677-697): GGGCRFLRYN[Cys687Gly]SIRAPRKGWT

ClinVar aggregate classification (germline): Uncertain significance (1 of 4 stars; one submission).

Conditions:
Ehlers-Danlos syndrome, kyphoscoliotic type 1 (EDSKSCL1). Also called: EHLERS-DANLOS SYNDROME, TYPE VIA; Ehlers-Danlos syndrome, hydroxylysine-deficient; EHLERS-DANLOS SYNDROME, OCULAR-SCOLIOTIC TYPE; PLOD1-Related Kyphoscoliotic Ehlers-Danlos Syndrome. Identifiers: Orphanet 1900, MedGen C0268342, MONDO:0016002, OMIM 225400. Disease mechanism: loss of function.

Submission:

3billion
Classification: Uncertain significance for Ehlers-Danlos syndrome, kyphoscoliotic type 1. Last evaluated: 2025-02-22. Review status: criteria provided, single submitter. Criteria: ACMG Guidelines, 2015. Collection method: clinical testing. Allele origin: germline. Affected: yes.
Comment: The variant is not observed in the gnomAD v4.1.0 dataset. Predicted Consequence/Location: Missense variant. The majority of the known disease-causing variants of this gene are variants expected to result in premature termination of the protein. In silico tool predictions suggest damaging effect of the variant on gene or gene product [REVEL: 0.92 (>=0.6, sensitivity 0.68 and specificity 0.92); 3Cnet: 0.93 (>=0.6, sensitivity 0.72 and precision 0.9)]. Different missense changes at the same codon have been reported as of uncertain significance (ClinVar ID: VCV001490341, VCV001526414). Therefore, this variant is classified as VUS according to the recommendation of ACMG/AMP guideline.